The following is an entry in ClinVar:

ClinVar aggregate classification (germline): Uncertain significance (1 of 4 stars; one submission).

Conditions:
Renal cell carcinoma. Identifiers: Orphanet 217071, MedGen C0007134, MeSH D002292, MONDO:0005086, HP:0005584.

Submission:

Labcorp Genetics (formerly Invitae), Labcorp
Classification: Uncertain significance for Renal cell carcinoma. Last evaluated: 2026-02-02. Review status: criteria provided, single submitter. Criteria: Invitae Variant Classification Sherloc (09022015). Collection method: clinical testing. Allele origin: germline.
Comment: This sequence change replaces alanine, which is neutral and non-polar, with glutamic acid, which is acidic and polar, at codon 1357 of the MET protein (p.Ala1357Glu). This variant is not present in population databases (gnomAD no frequency). This variant has not been reported in the literature in individuals affected with MET-related conditions. Invitae Evidence Modeling of protein sequence and biophysical properties (such as structural, functional, and spatial information, amino acid conservation, physicochemical variation, residue mobility, and thermodynamic stability) indicates that this missense variant is not expected to disrupt MET protein function with a negative predictive value of 80%. In summary, the available evidence is currently insufficient to determine the role of this variant in disease. Therefore, it has been classified as a Variant of Uncertain Significance.

NM_000245.4(MET):c.4016C>A (p.Ala1339Glu)

Gene: MET (MET proto-oncogene, receptor tyrosine kinase; plus strand). Cytogenetic location: 7q31.2.
Variant type: single nucleotide variant.
Coding change: c.4016C>A on transcript NM_000245.4 (MANE Select); coding-DNA position 4016, C replaced by A.
Protein change: p.Ala1339Glu; replaces alanine 1339 with glutamic acid.
Molecular consequence: missense variant.
Genome position (GRCh38, 1-based): chr7:116,795,967, C>A. VCF-style: chr7-116795967-C-A. GRCh37 (hg19) VCF-style: chr7-116436021-C-A.
Other names: c.4070C>A, p.Ala1357Glu (NM_001127500.3); c.2726C>A, p.Ala909Glu (NM_001324402.2); short protein forms A909E, A1339E, A1357E.
Identifiers: ClinVar variation 4741120 (VCV004741120.1).